The following is an entry in ClinVar:

NM_006231.2(POLE):c.4150delG

Gene: POLE (DNA polymerase epsilon, catalytic subunit; minus strand). Cytogenetic location: 12q24.33.
Variant type: Deletion.
Coding change: c.4150delG on transcript NM_006231.2; coding-DNA position 4150, one base deleted (G).
Genome position (GRCh38, 1-based): chr12:132,643,977, C deleted on the plus strand (G on the coding strand, the reverse complement: POLE is on the minus strand); the first of 2 consecutive C bases (chr12:132,643,977-132,643,978); deleting either gives the same sequence. VCF-style (leftmost placement, unchanged base first): chr12-132643976-AC-A. GRCh37 (hg19) VCF-style: chr12-133220562-AC-A.
Identifiers: ClinVar variation 1738262 (VCV001738262.1), dbSNP rs2541903634, ClinGen allele CA2580086153.
Genomic context (GRCh38, chr12:132,643,976, plus strand): 5'-TCTGGCACTGAATACTCATAGAGATTGTAGACCATGTTGGAGCGAGGAAGGACCCGATTT[AC>A]CTGGCGAGAATACGACGATGATCTCGTCACTGGGCGTAAGTGGTAATGTCTGTGGTACAC-3'

ClinVar aggregate classification (germline): Uncertain significance (1 of 4 stars; one submission).

Conditions:
Hereditary cancer-predisposing syndrome. Also called: Hereditary neoplastic syndrome; Neoplastic Syndromes, Hereditary; Tumor predisposition; Hereditary Cancer Syndrome. Identifiers: Orphanet 140162, MedGen C0027672, MeSH D009386, MONDO:0015356.

Submission:

Ambry Genetics
Classification: Uncertain significance for Hereditary cancer-predisposing syndrome. Last evaluated: 2020-05-19. Review status: criteria provided, single submitter. Criteria: Ambry General Variant Classification Scheme_2022. Collection method: clinical testing. Allele origin: germline. Observed: 1 variant allele.
Comment: The c.4150delG variant, located in coding exon 33 of the POLE gene, results from a deletion of one nucleotide at nucleotide position 4150, causing a translational frameshift with a predicted alternate stop codon (p.V1384*). This alteration is expected to result in premature protein truncation or nonsense-mediated mRNA decay. However, loss of function of POLE has not been clearly established as a mechanism of disease. Since supporting evidence is limited at this time, the clinical significance of this alteration remains unclear.